The following is an entry in ClinVar:

ClinVar aggregate classification (germline): Uncertain significance (1 of 4 stars; one submission).

Conditions:
Familial thoracic aortic aneurysm and aortic dissection (TAAD). Also called: Thoracic aortic aneurysms and dissections. Identifiers: Orphanet 91387, MedGen C4707243, MONDO:0019625.

Submission:

Labcorp Genetics (formerly Invitae), Labcorp
Classification: Uncertain significance for Familial thoracic aortic aneurysm and aortic dissection. Last evaluated: 2019-05-02. Review status: criteria provided, single submitter. Criteria: Invitae Variant Classification Sherloc (09022015). Collection method: clinical testing. Allele origin: germline.
Comment: This sequence change replaces aspartic acid with alanine at codon 522 of the TGFBR2 protein (p.Asp522Ala). The aspartic acid residue is highly conserved and there is a moderate physicochemical difference between aspartic acid and alanine. This variant is not present in population databases (ExAC no frequency). This variant has been observed in a family with clinical features of TGFBR2-related disease (Invitae). ClinVar contains an entry for this variant (Variation ID: 408440). Algorithms developed to predict the effect of missense changes on protein structure and function are either unavailable or do not agree on the potential impact of this missense change (SIFT: "Deleterious"; PolyPhen-2: "Probably Damaging"; Align-GVGD: "Class C0"). This variant disrupts the p.Asp522 amino acid residue in TGFBR2. Other variant(s) that disrupt this residue have been observed in individuals with TGFBR2-related conditions (PMID: 17599521), which suggests that this may be a clinically significant amino acid residue. In summary, the available evidence is currently insufficient to determine the role of this variant in disease. Therefore, it has been classified as a Variant of Uncertain Significance.

Literature cited by the submitters: PubMed 17599521.

NM_003242.6(TGFBR2):c.1565A>C (p.Asp522Ala)

Gene: TGFBR2 (transforming growth factor beta receptor 2; plus strand). Cytogenetic location: 3p24.1.
Variant type: single nucleotide variant.
Coding change: c.1565A>C on transcript NM_003242.6 (MANE Select); coding-DNA position 1565, A replaced by C.
Protein change: p.Asp522Ala; replaces aspartic acid 522 with alanine.
Molecular consequence: missense variant.
Genome position (GRCh38, 1-based): chr3:30,691,460, A>C. VCF-style: chr3-30691460-A-C. GRCh37 (hg19) VCF-style: chr3-30732952-A-C.
Other names: c.1640A>C, p.Asp547Ala (NM_001024847.3); c.1673A>C, p.Asp558Ala (NM_001407127.1); c.1748A>C, p.Asp583Ala (NM_001407126.1); c.1592A>C, p.Asp531Ala (NM_001407128.1); c.1460A>C, p.Asp487Ala (NM_001407133.1, NM_001407134.1, NM_001407135.1 and 2 more transcripts); c.1568A>C, p.Asp523Ala (NM_001407129.1); c.1562A>C, p.Asp521Ala (NM_001407130.1); c.1280A>C, p.Asp427Ala (NM_001407137.1); and 2 more; short protein forms D522A, D547A, D232A, D521A, D523A, D558A, D427A, D583A.
Identifiers: ClinVar variation 408440 (VCV000408440.8), dbSNP rs886038768, ClinGen allele CA16611213.